The following is an entry in ClinVar:

NM_000102.4(CYP17A1):c.970-1G>C

Genes: CYP17A1 (cytochrome P450 family 17 subfamily A member 1; minus strand), CYP17A1-AS1 (CYP17A1 antisense RNA 1; plus strand). Cytogenetic location: 10q24.32.
Variant type: single nucleotide variant.
Coding change: c.970-1G>C on transcript NM_000102.4 (MANE Select); the canonical splice acceptor site of the intron before coding-DNA position 970, G replaced by C.
Molecular consequence: splice acceptor variant.
Genome position (GRCh38, 1-based): chr10:102,832,681, C>G on the plus strand (G>C on the coding strand, the complement: CYP17A1 is on the minus strand). VCF-style: chr10-102832681-C-G. GRCh37 (hg19) VCF-style: chr10-104592438-C-G.
Identifiers: ClinVar variation 2731235 (VCV002731235.3), dbSNP rs2493237797, ClinGen allele CA377939017.
Genomic context (GRCh38, chr10:102,832,681, plus strand): 5'-AGTTGGTGTGCGGCTGAAACCCACATTCTGGTCAATCTCCTCGTAGAGCTTCTTCTTCAC[C>G]TGAAGACCAGAGTAGGTTGGAGGTGACTAGTGTGTGTAAGCCCAGGAGAAGCAAGGGCTT-3'

ClinVar aggregate classification (germline): Pathogenic (1 of 4 stars; one submission).

Submission:

Labcorp Genetics (formerly Invitae), Labcorp
Classification: Pathogenic. Last evaluated: 2023-06-27. Review status: criteria provided, single submitter. Criteria: Invitae Variant Classification Sherloc (09022015). Collection method: clinical testing. Allele origin: germline.
Comment: For these reasons, this variant has been classified as Pathogenic. Algorithms developed to predict the effect of sequence changes on RNA splicing suggest that this variant may disrupt the consensus splice site. Disruption of this splice site has been observed in individual(s) with 17-alpha-hydroxylase deficiency (PMID: 32945709). This variant is not present in population databases (gnomAD no frequency). This sequence change affects an acceptor splice site in intron 5 of the CYP17A1 gene. It is expected to disrupt RNA splicing. Variants that disrupt the donor or acceptor splice site typically lead to a loss of protein function (PMID: 16199547), and loss-of-function variants in CYP17A1 are known to be pathogenic (PMID: 10720067, 14747197, 17192295, 20197673, 24140098).

Literature cited by the submitters: PubMed 32945709; PubMed 16199547; PubMed 10720067; PubMed 14747197; PubMed 17192295; PubMed 20197673; PubMed 24140098.